The following is an entry in ClinVar:

NM_001081.4(CUBN):c.8016C>T (p.Asn2672=)

Gene: CUBN (cubilin; minus strand). Cytogenetic location: 10p13.
Variant type: single nucleotide variant.
Coding change: c.8016C>T on transcript NM_001081.4 (MANE Select); coding-DNA position 8016, C replaced by T.
Protein change: p.Asn2672=; no amino-acid change (asparagine 2672 retained).
Molecular consequence: synonymous variant.
Genome position (GRCh38, 1-based): chr10:16,904,012, G>A on the plus strand (C>T on the coding strand, the complement: CUBN is on the minus strand). VCF-style: chr10-16904012-G-A. GRCh37 (hg19) VCF-style: chr10-16946011-G-A.
Identifiers: ClinVar variation 878997 (VCV000878997.6), dbSNP rs151303316, ClinGen allele CA5423170.

ClinVar aggregate classification (germline): Conflicting classifications of pathogenicity. Review status: criteria provided, conflicting classifications (1 of 4 stars). 3 submissions from 3 submitters: Uncertain significance (2); Likely benign (1). Last evaluated 2024-12-20.

Conditions:
Proteinuria, chronic benign. Identifiers: MedGen C5394384, MONDO:0030042, OMIM 618884.
Imerslund-Grasbeck syndrome type 1 (IGS1). Also called: MEGALOBLASTIC ANEMIA, 1; Imerslund-Gräsbeck syndrome 1; Megaloblastic anemia 1, Finnish type. Identifiers: MedGen C4016819, MONDO:0100156, OMIM 261100.
CUBN-related disorder. Also called: CUBN-related condition.

Allele frequency attached by ClinVar (database versions not stated): gnomAD 0.00003; gnomAD exomes 0.00003; ESP Exome Variant Server 0.00008; ExAC 0.00002; TOPMed 0.00002.
gnomAD v4.1: 43 of 1,613,124 alleles (0.0027%); highest among the groups gnomAD compares: Admixed American, 0.0033%; no homozygotes.

Submissions (3):

PreventionGenetics, part of Exact Sciences
Classification: Likely benign for CUBN-related condition. Last evaluated: 2024-12-20. Review status: criteria provided, single submitter. Criteria: ACMG Guidelines, 2015. Collection method: clinical testing. Allele origin: germline.
Comment: This variant is classified as likely benign based on ACMG/AMP sequence variant interpretation guidelines (Richards et al. 2015 PMID: 25741868, with internal and published modifications).

Fulgent Genetics
Classification: Uncertain significance for Imerslund-Grasbeck syndrome type 1; Proteinuria, chronic benign. Last evaluated: 2024-04-18. Review status: criteria provided, single submitter. Criteria: ACMG Guidelines, 2015. Collection method: clinical testing. Allele origin: germline.

Illumina Laboratory Services, Illumina
Classification: Uncertain significance for Imerslund-Grasbeck syndrome type 1. Last evaluated: 2018-01-12. Review status: criteria provided, single submitter. Criteria: ICSL Variant Classification Criteria 13 December 2019. Collection method: clinical testing. Allele origin: germline.